The following is an entry in ClinVar:

ClinVar aggregate classification (germline): Uncertain significance (1 of 4 stars; one submission).

gnomAD v4.1: 22 of 1,613,612 alleles (0.0014%); highest among the groups gnomAD compares: East Asian, 0.0022%; no homozygotes.

Submission:

GeneDx
Classification: Uncertain significance. Last evaluated: 2026-04-05. Review status: criteria provided, single submitter. Criteria: GeneDx Variant Classification Process June 2021. Collection method: clinical testing. Allele origin: germline.
Comment: In silico analysis supports that this missense variant has a deleterious effect on protein structure/function; Has not been previously published as pathogenic or benign to our knowledge

NM_033116.6(NEK9):c.1351G>A (p.Gly451Arg)

Gene: NEK9 (NIMA related kinase 9; minus strand). Cytogenetic location: 14q24.3.
Variant type: single nucleotide variant.
Coding change: c.1351G>A on transcript NM_033116.6 (MANE Select); coding-DNA position 1351, G replaced by A.
Protein change: p.Gly451Arg; replaces glycine 451 with arginine.
Molecular consequence: missense variant.
Genome position (GRCh38, 1-based): chr14:75,106,679, C>T on the plus strand (G>A on the coding strand, the complement: NEK9 is on the minus strand). VCF-style: chr14-75106679-C-T. GRCh37 (hg19) VCF-style: chr14-75573382-C-T.
Other names: c.1351G>A, p.Gly451Arg (NM_001329237.2); c.997G>A, p.Gly333Arg (NM_001329238.2); short protein forms G333R, G451R.
Identifiers: ClinVar variation 5017941 (VCV005017941.1).